The following is an entry in ClinVar:

NM_014679.5(CEP57):c.974G>T (p.Arg325Leu)

Gene: CEP57 (centrosomal protein 57; plus strand). Cytogenetic location: 11q21.
Variant type: single nucleotide variant.
Coding change: c.974G>T on transcript NM_014679.5 (MANE Select); coding-DNA position 974, G replaced by T.
Protein change: p.Arg325Leu; replaces arginine 325 with leucine.
Molecular consequence: missense variant.
Genome position (GRCh38, 1-based): chr11:95,827,874, G>T. VCF-style: chr11-95827874-G-T. GRCh37 (hg19) VCF-style: chr11-95561038-G-T.
Other names: c.947G>T, p.Arg316Leu (NM_001243776.2); c.896G>T, p.Arg299Leu (NM_001243777.2); c.893G>T, p.Arg298Leu (NM_001363604.2); short protein forms R299L, R325L, R316L, R298L.
Identifiers: ClinVar variation 3490850 (VCV003490850.1).

ClinVar aggregate classification (germline): Uncertain significance (1 of 4 stars; one submission).

Conditions:
Inborn genetic diseases. Identifiers: MedGen C0950123, MeSH D030342.

Submission:

Ambry Genetics
Classification: Uncertain significance for Inborn genetic diseases. Last evaluated: 2024-12-07. Review status: criteria provided, single submitter. Criteria: Ambry Variant Classification Scheme 2023. Collection method: clinical testing. Allele origin: germline.
Comment: The p.R325L variant (also known as c.974G>T), located in coding exon 9 of the CEP57 gene, results from a G to T substitution at nucleotide position 974. The arginine at codon 325 is replaced by leucine, an amino acid with dissimilar properties. This amino acid position is conserved. In addition, the in silico prediction for this alteration is inconclusive. Based on the available evidence, the clinical significance of this variant remains unclear.